The following is an entry in ClinVar:

ClinVar aggregate classification (germline): Uncertain significance (1 of 4 stars; one submission).

Allele frequency attached by ClinVar (database versions not stated): gnomAD exomes below 0.00001.
gnomAD v4.1: 2 of 1,613,930 alleles (0.00012%); highest among the groups gnomAD compares: Middle Eastern, 0.033%; no homozygotes.

Submission:

Ambry Genetics
Classification: Uncertain significance. Last evaluated: 2021-10-19. Review status: criteria provided, single submitter. Criteria: Ambry Variant Classification Scheme 2023. Collection method: clinical testing. Allele origin: germline.
Comment: The p.S1167T variant (also known as c.3499T>A), located in coding exon 22 of the MYOM1 gene, results from a T to A substitution at nucleotide position 3499. The serine at codon 1167 is replaced by threonine, an amino acid with similar properties. This amino acid position is conserved. In addition, the in silico prediction for this alteration is inconclusive. Since supporting evidence is limited at this time, the clinical significance of this alteration remains unclear.

NM_003803.4(MYOM1):c.3499T>A (p.Ser1167Thr)

Gene: MYOM1 (myomesin 1; minus strand). Cytogenetic location: 18p11.31.
Variant type: single nucleotide variant.
Coding change: c.3499T>A on transcript NM_003803.4 (MANE Select); coding-DNA position 3499, T replaced by A.
Protein change: p.Ser1167Thr; replaces serine 1167 with threonine.
Molecular consequence: missense variant.
Genome position (GRCh38, 1-based): chr18:3,102,550, A>T on the plus strand (T>A on the coding strand, the complement: MYOM1 is on the minus strand). VCF-style: chr18-3102550-A-T. GRCh37 (hg19) VCF-style: chr18-3102548-A-T.
Other names: c.3211T>A, p.Ser1071Thr (NM_019856.2); short protein forms S1071T, S1167T.
Identifiers: ClinVar variation 1732011 (VCV001732011.2), dbSNP rs2510547745, ClinGen allele CA401703320.